The following is an entry in ClinVar:

ClinVar aggregate classification (germline): Pathogenic/Likely pathogenic. Review status: criteria provided, multiple submitters, no conflicts (2 of 4 stars). 2 submissions from 2 submitters: Pathogenic (1); Likely pathogenic (1). Last evaluated 2026-03-05.

Conditions:
Alkaptonuria (AKU). Also called: HOMOGENTISIC ACID OXIDASE DEFICIENCY; Alcaptonuria; Homogentisic acidura; Alkaptonuric ochronosis. Identifiers: Orphanet 56, MedGen C0002066, MONDO:0008753, OMIM 203500.

Submissions (2):

Mendelics
Classification: Pathogenic for Alkaptonuria. Last evaluated: 2026-03-05. Review status: criteria provided, single submitter. Criteria: ACMG Guidelines, 2015. Collection method: clinical testing. Allele origin: unknown.
Comment: Likely pathogenic/Pathogenic according to ACMG criteria.

Labcorp Genetics (formerly Invitae), Labcorp
Classification: Likely pathogenic for Alkaptonuria. Last evaluated: 2022-02-22. Review status: criteria provided, single submitter. Criteria: Invitae Variant Classification Sherloc (09022015). Collection method: clinical testing. Allele origin: germline.
Comment: In summary, the currently available evidence indicates that the variant is pathogenic, but additional data are needed to prove that conclusively. Therefore, this variant has been classified as Likely Pathogenic. This variant disrupts the p.Gly161 amino acid residue in HGD. Other variant(s) that disrupt this residue have been determined to be pathogenic (PMID: 9154114, 12051967, 19862842, 20462779). This suggests that this residue is clinically significant, and that variants that disrupt this residue are likely to be disease-causing. Advanced modeling of protein sequence and biophysical properties (such as structural, functional, and spatial information, amino acid conservation, physicochemical variation, residue mobility, and thermodynamic stability) performed at Invitae indicates that this missense variant is expected to disrupt HGD protein function. This variant has not been reported in the literature in individuals affected with HGD-related conditions. This variant is not present in population databases (gnomAD no frequency). This sequence change replaces glycine, which is neutral and non-polar, with glutamic acid, which is acidic and polar, at codon 161 of the HGD protein (p.Gly161Glu).

Literature cited by the submitters: PubMed 9154114 (cited by Labcorp Genetics (formerly Invitae), Labcorp); PubMed 12051967 (cited by Labcorp Genetics (formerly Invitae), Labcorp); PubMed 19862842 (cited by Labcorp Genetics (formerly Invitae), Labcorp); PubMed 20462779 (cited by Labcorp Genetics (formerly Invitae), Labcorp).

NM_000187.4(HGD):c.482G>A (p.Gly161Glu)

Gene: HGD (homogentisate 1,2-dioxygenase; minus strand). Cytogenetic location: 3q13.33.
Variant type: single nucleotide variant.
Coding change: c.482G>A on transcript NM_000187.4 (MANE Select); coding-DNA position 482, G replaced by A.
Protein change: p.Gly161Glu; replaces glycine 161 with glutamic acid.
Molecular consequence: missense variant.
Genome position (GRCh38, 1-based): chr3:120,647,040, C>T on the plus strand (G>A on the coding strand, the complement: HGD is on the minus strand). VCF-style: chr3-120647040-C-T. GRCh37 (hg19) VCF-style: chr3-120365887-C-T.
Other names: short protein forms G161E.
Identifiers: ClinVar variation 2101494 (VCV002101494.3), dbSNP rs1941187762, ClinGen allele CA354077159.